The following is an entry in ClinVar:

NM_001198950.3(MYO16):c.111A>G (p.Gln37=)

Gene: MYO16 (myosin XVI; plus strand). Cytogenetic location: 13q33.3.
Variant type: single nucleotide variant.
Coding change: c.111A>G on transcript NM_001198950.3 (MANE Select); coding-DNA position 111, A replaced by G.
Protein change: p.Gln37=; no amino-acid change (glutamine 37 retained).
Molecular consequence: synonymous variant.
Genome position (GRCh38, 1-based): chr13:108,665,968, A>G. VCF-style: chr13-108665968-A-G. GRCh37 (hg19) VCF-style: chr13-109318316-A-G.
Other names: c.45A>G, p.Gln15= (NM_015011.3).
Identifiers: ClinVar variation 3045676 (VCV003045676.2), dbSNP rs374275936, ClinGen allele CA7044309.

ClinVar aggregate classification (germline): Benign (0 of 4 stars; one submission).

Conditions:
MYO16-related disorder. Also called: MYO16-related condition.

Allele frequency attached by ClinVar (database versions not stated): TOPMed 0.00028; gnomAD 0.00064; gnomAD exomes 0.00078; ExAC 0.00202; 1000 Genomes Project 0.00359; 1000 Genomes Project 30x 0.00375.
gnomAD v4.1: 1,245 of 1,614,106 alleles (0.077%); highest among the groups gnomAD compares: South Asian, 1.2%; 18 homozygotes.

Submission:

PreventionGenetics, part of Exact Sciences
Classification: Benign for MYO16-related condition. Last evaluated: 2019-04-05. Review status: no assertion criteria provided. Collection method: clinical testing. Allele origin: germline.
Comment: This variant is classified as benign based on ACMG/AMP sequence variant interpretation guidelines (Richards et al. 2015 PMID: 25741868, with internal and published modifications).